The following is an entry in ClinVar:

NM_020800.3(IFT80):c.1936G>T (p.Val646Phe)

Genes: IFT80 (intraflagellar transport 80; minus strand), TRIM59-IFT80 (TRIM59-IFT80 readthrough (NMD candidate); minus strand). Cytogenetic location: 3q25.33.
Variant type: single nucleotide variant.
Coding change: c.1936G>T on transcript NM_020800.3 (MANE Select); coding-DNA position 1936, G replaced by T.
Protein change: p.Val646Phe; replaces valine 646 with phenylalanine.
Molecular consequence: missense variant. On other transcripts: non-coding transcript variant (3).
Genome position (GRCh38, 1-based): chr3:160,277,469, C>A on the plus strand (G>T on the coding strand, the complement: IFT80 is on the minus strand). VCF-style: chr3-160277469-C-A. GRCh37 (hg19) VCF-style: chr3-159995257-C-A.
Other names: c.1525G>T, p.Val509Phe (NM_001190241.2, NM_001190242.2); short protein forms V509F, V646F.
Identifiers: ClinVar variation 1025611 (VCV001025611.6), dbSNP rs752617502, ClinGen allele CA2685005.

ClinVar aggregate classification (germline): Uncertain significance. Review status: criteria provided, multiple submitters, no conflicts (2 of 4 stars). 2 submissions from 2 submitters: Uncertain significance (2). Last evaluated 2024-11-18.

Conditions:
Jeune thoracic dystrophy. Also called: Jeune syndrome; Infantile thoracic dystrophy; Thoracic pelvic phalangeal dystrophy; Jeune's syndrome; Chondroectodermal dysplasia-like syndrome; Short-rib thoracic dysplasia. Identifiers: Orphanet 474, MedGen C0265275, MONDO:0018770.
Asphyxiating thoracic dystrophy 2 (SRTD2). Also called: SHORT-RIB THORACIC DYSPLASIA 2 WITH OR WITHOUT POLYDACTYLY; SHORT-RIB THORACIC DYSPLASIA 2 WITH POLYDACTYLY; SHORT-RIB THORACIC DYSPLASIA 2 WITHOUT POLYDACTYLY. Identifiers: Orphanet 474, MedGen C1970005, MONDO:0012644, OMIM 611263.

Allele frequency attached by ClinVar (database versions not stated): TOPMed 0.00004.
gnomAD v4.1: 86 of 1,602,740 alleles (0.0054%); highest among the groups gnomAD compares: Admixed American, 0.01%; no homozygotes.

Submissions (2):

Labcorp Genetics (formerly Invitae), Labcorp
Classification: Uncertain significance for Jeune thoracic dystrophy. Last evaluated: 2024-11-18. Review status: criteria provided, single submitter. Criteria: Invitae Variant Classification Sherloc (09022015). Collection method: clinical testing. Allele origin: germline.
Comment: This sequence change replaces valine, which is neutral and non-polar, with phenylalanine, which is neutral and non-polar, at codon 646 of the IFT80 protein (p.Val646Phe). This variant is present in population databases (rs752617502, gnomAD 0.01%). This missense change has been observed in individual(s) with leber congenital amaurosis (PMID: 33957996). ClinVar contains an entry for this variant (Variation ID: 1025611). Invitae Evidence Modeling of protein sequence and biophysical properties (such as structural, functional, and spatial information, amino acid conservation, physicochemical variation, residue mobility, and thermodynamic stability) has been performed for this missense variant. However, the output from this modeling did not meet the statistical confidence thresholds required to predict the impact of this variant on IFT80 protein function. In summary, the available evidence is currently insufficient to determine the role of this variant in disease. Therefore, it has been classified as a Variant of Uncertain Significance.

Fulgent Genetics
Classification: Uncertain significance for Asphyxiating thoracic dystrophy 2. Last evaluated: 2024-03-28. Review status: criteria provided, single submitter. Criteria: ACMG Guidelines, 2015. Collection method: clinical testing. Allele origin: germline.

Literature cited by the submitters: PubMed 33957996 (cited by Labcorp Genetics (formerly Invitae), Labcorp).